The following is an entry in ClinVar:

NC_000022.10:g.(?_50885571)_(51021210_?)del

Genes: LMF2 (lipase maturation factor 2; minus strand), KLHDC7B (kelch domain containing 7B; plus strand), SCO2 (synthesis of cytochrome C oxidase 2; minus strand), CPT1B (carnitine palmitoyltransferase 1B; minus strand), MIOX (myo-inositol oxygenase; plus strand) and 7 more. Cytogenetic location: 22q13.33.
Variant type: Deletion.
Identifiers: ClinVar variation 1407208 (VCV001407208.1).

ClinVar aggregate classification (germline): Pathogenic (1 of 4 stars; one submission).

Conditions:
Megaconial type congenital muscular dystrophy (MDCMC). Also called: CHKB-Related Muscular Dystrophy; CHKB-Related Muscle Diseases; MUSCULAR DYSTROPHY, CONGENITAL, WITH MITOCHONDRIAL STRUCTURAL ABNORMALITIES. Identifiers: Orphanet 280671, MedGen C1865233, MONDO:0011246, OMIM 602541.

Submission:

Labcorp Genetics (formerly Invitae), Labcorp
Classification: Pathogenic for Megaconial type congenital muscular dystrophy. Last evaluated: 2021-11-02. Review status: criteria provided, single submitter. Criteria: Invitae Variant Classification Sherloc (09022015). Collection method: clinical testing. Allele origin: germline.
Comment: A gross deletion of the genomic region encompassing the full coding sequence of the CHKB gene has been identified. Loss-of-function variants in CHKB are known to be pathogenic (PMID: 21665002). The boundaries of this event are unknown as they extend beyond the assayed region for this gene and therefore may encompass additional genes. This variant has not been reported in the literature in individuals affected with CHKB-related conditions. For these reasons, this variant has been classified as Pathogenic.

Literature cited by the submitters: PubMed 21665002.